The following is an entry in ClinVar:

ClinVar aggregate classification (germline): Uncertain significance (1 of 4 stars; one submission).

Submission:

GeneDx
Classification: Uncertain significance. Last evaluated: 2023-01-18. Review status: criteria provided, single submitter. Criteria: GeneDx Variant Classification Process June 2021. Collection method: clinical testing. Allele origin: germline. Affected: yes.
Comment: Not observed at significant frequency in large population cohorts (gnomAD); In silico analysis supports that this missense variant does not alter protein structure/function; Has not been previously published as pathogenic or benign to our knowledge

NM_018489.3(ASH1L):c.2125T>G (p.Leu709Val)

Gene: ASH1L (ASH1 like histone lysine methyltransferase; minus strand). Cytogenetic location: 1q22.
Variant type: single nucleotide variant.
Coding change: c.2125T>G on transcript NM_018489.3 (MANE Select); coding-DNA position 2125, T replaced by G.
Protein change: p.Leu709Val; replaces leucine 709 with valine.
Molecular consequence: missense variant.
Genome position (GRCh38, 1-based): chr1:155,480,745, A>C on the plus strand (T>G on the coding strand, the complement: ASH1L is on the minus strand). VCF-style: chr1-155480745-A-C. GRCh37 (hg19) VCF-style: chr1-155450536-A-C.
Other names: c.2125T>G, p.Leu709Val (NM_001366177.2); short protein forms L709V.
Identifiers: ClinVar variation 2573682 (VCV002573682.1), dbSNP rs1665894409, ClinGen allele CA342727532.